The following is an entry in ClinVar:

NM_001256007.3(PNPLA8):c.467C>T (p.Ser156Phe)

Gene: PNPLA8 (patatin like domain 8, phospholipase A2; minus strand). Cytogenetic location: 7q31.1.
Variant type: single nucleotide variant.
Coding change: c.467C>T on transcript NM_001256007.3 (MANE Select); coding-DNA position 467, C replaced by T.
Protein change: p.Ser156Phe; replaces serine 156 with phenylalanine.
Molecular consequence: missense variant.
Genome position (GRCh38, 1-based): chr7:108,515,025, G>A on the plus strand (C>T on the coding strand, the complement: PNPLA8 is on the minus strand). VCF-style: chr7-108515025-G-A. GRCh37 (hg19) VCF-style: chr7-108155469-G-A.
Other names: p.Ser156Phe; c.467C>T, p.Ser156Phe (NM_001256008.3, NM_001256009.3, NM_015723.5); c.167C>T, p.Ser56Phe (NM_001256010.3, NM_001256011.3); short protein forms S156F, S56F.
Identifiers: ClinVar variation 2075984 (VCV002075984.4), dbSNP rs1047165345, ClinGen allele CA164320907.

ClinVar aggregate classification (germline): Uncertain significance. Review status: criteria provided, multiple submitters, no conflicts (2 of 4 stars). 3 submissions from 3 submitters: Uncertain significance (3). Last evaluated 2024-07-05.

Conditions:
Inborn genetic diseases. Identifiers: MedGen C0950123, MeSH D030342.

Allele frequency attached by ClinVar (database versions not stated): gnomAD exomes 0.00001; gnomAD 0.00007; TOPMed 0.00017.
gnomAD v4.1: 18 of 1,607,330 alleles (0.0011%); highest among the groups gnomAD compares: Admixed American, 0.025%; no homozygotes.

Submissions (3):

Ambry Genetics
Classification: Uncertain significance for Inborn genetic diseases. Last evaluated: 2024-07-05. Review status: criteria provided, single submitter. Criteria: Ambry Variant Classification Scheme 2023. Collection method: clinical testing. Allele origin: germline.

Labcorp Genetics (formerly Invitae), Labcorp
Classification: Uncertain significance. Last evaluated: 2022-07-30. Review status: criteria provided, single submitter. Criteria: Invitae Variant Classification Sherloc (09022015). Collection method: clinical testing. Allele origin: germline.
Comment: This sequence change replaces serine, which is neutral and polar, with phenylalanine, which is neutral and non-polar, at codon 156 of the PNPLA8 protein (p.Ser156Phe). This variant is present in population databases (no rsID available, gnomAD 0.01%). This variant has not been reported in the literature in individuals affected with PNPLA8-related conditions. Algorithms developed to predict the effect of missense changes on protein structure and function output the following: SIFT: "Tolerated"; PolyPhen-2: "Benign"; Align-GVGD: "Class C0". The phenylalanine amino acid residue is found in multiple mammalian species, which suggests that this missense change does not adversely affect protein function. In summary, the available evidence is currently insufficient to determine the role of this variant in disease. Therefore, it has been classified as a Variant of Uncertain Significance.

Mayo Clinic Laboratories, Mayo Clinic
Classification: Uncertain significance. Last evaluated: 2022-07-11. Review status: criteria provided, single submitter. Criteria: ACMG Guidelines, 2015. Collection method: clinical testing. Allele origin: germline. Observed: 1 variant allele.
Comment: BP4, PM2